The following is an entry in ClinVar:

ClinVar aggregate classification (germline): Likely benign. Review status: reviewed by expert panel (3 of 4 stars). 3 submissions from 3 submitters: Likely benign (1). 2 of the submissions do not count toward it. Last evaluated 2017-06-29.

Conditions:
Hereditary cancer-predisposing syndrome. Also called: Hereditary Cancer Syndrome; Hereditary neoplastic syndrome; Neoplastic Syndromes, Hereditary; Tumor predisposition. Identifiers: Orphanet 140162, MedGen C0027672, MeSH D009386, MONDO:0015356.
Hereditary breast ovarian cancer syndrome. Also called: BRCA1- and BRCA2-Associated Hereditary Breast and Ovarian Cancer; Hereditary breast and ovarian cancer syndrome; Hereditary breast and ovarian cancer syndrome (HBOC); Breast and ovarian cancer; Hereditary breast and/or ovarian cancer syndrome; Hereditary breast and ovarian cancer. Identifiers: Orphanet 145, MedGen C0677776, MeSH D061325, MONDO:0003582. Disease mechanism: loss of function.
Breast-ovarian cancer, familial, susceptibility to, 1 (BROVCA1). Also called: BRCA1 Hereditary Breast and Ovarian Cancer; OVARIAN CANCER, SUSCEPTIBILITY TO. Identifiers: Orphanet 145, MedGen C2676676, MONDO:0011450, OMIM 604370. Disease mechanism: loss of function.

Submissions (4):

Evidence-based Network for the Interpretation of Germline Mutant Alleles (ENIGMA)
Classification: Likely benign for Breast-ovarian cancer, familial, susceptibility to, 1. Last evaluated: 2017-06-29. Review status: reviewed by expert panel. Criteria: ENIGMA BRCA1/2 Classification Criteria (2017-06-29). Collection method: curation. Allele origin: germline.
Comment: Synonymous substitution variant, with low bioinformatic likelihood to result in a splicing aberration (Splicing prior probability 0.02).

Labcorp Genetics (formerly Invitae), Labcorp
Classification: Likely benign for Hereditary breast ovarian cancer syndrome. Last evaluated: 2025-12-21. Review status: criteria provided, single submitter. Criteria: Invitae Variant Classification Sherloc (09022015). Collection method: clinical testing. Allele origin: germline. Not counted in ClinVar's aggregate classification.

Ambry Genetics
Classification: Likely benign for Hereditary cancer-predisposing syndrome. Last evaluated: 2021-03-17. Review status: criteria provided, single submitter. Criteria: Ambry Variant Classification Scheme 2023. Collection method: clinical testing. Allele origin: germline. Not counted in ClinVar's aggregate classification.

Brotman Baty Institute, University of Washington
No classification provided (evidence only). Condition: Breast-ovarian cancer, familial 1. Review status: no classification provided. Collection method: in vitro. Allele origin: not applicable. Functional consequence: functionally_normal. Not counted in ClinVar's aggregate classification.
ClinVar note: "not provided" was previously submitted as the classification for the variant. However, the classification appeared to be based only on an observation of functional data so it was converted to no classification on 2025-07-30.

NM_007294.4(BRCA1):c.5448A>G (p.Thr1816=)

Gene: BRCA1 (BRCA1 DNA repair associated; minus strand). Cytogenetic location: 17q21.31.
Variant type: single nucleotide variant.
Coding change: c.5448A>G on transcript NM_007294.4 (MANE Select); coding-DNA position 5448, A replaced by G.
Protein change: p.Thr1816=; no amino-acid change (threonine 1816 retained).
Molecular consequence: synonymous variant. On other transcripts: missense variant (17).
Genome position (GRCh38, 1-based): chr17:43,047,662, T>C on the plus strand (A>G on the coding strand, the complement: BRCA1 is on the minus strand). VCF-style: chr17-43047662-T-C. GRCh37 (hg19) VCF-style: chr17-41199679-T-C.
Other names: c.5301A>G, p.Thr1767= (NM_001407848.1, NM_001407849.1, NM_001407850.1 and 12 more transcripts); c.5374A>G, p.Arg1792Gly (NM_001407854.1); c.5371A>G, p.Arg1791Gly (NM_001407858.1, NM_001407859.1, NM_001407860.1); c.5178A>G, p.Thr1726= (NM_001407935.1, NM_001407936.1, NM_001407934.1); c.5251A>G, p.Arg1751Gly (NM_001407937.1, NM_001407938.1); c.5248A>G, p.Arg1750Gly (NM_001407939.1, NM_001407940.1); c.5245A>G, p.Arg1749Gly (NM_001407941.1); c.5233A>G, p.Arg1745Gly (NM_001407942.1); and 83 more; short protein forms R688G, R1744G, R1790G, R1791G, R687G, R1745G, R1792G, R1749G.
Identifiers: ClinVar variation 55582 (VCV000055582.17), dbSNP rs397509285, ClinGen allele CA003601.